The following is an entry in ClinVar:

NM_015386.3(COG4):c.2155C>G (p.Leu719Val)

Gene: COG4 (component of oligomeric golgi complex 4; minus strand). Cytogenetic location: 16q22.1.
Variant type: single nucleotide variant.
Coding change: c.2155C>G on transcript NM_015386.3 (MANE Select); coding-DNA position 2155, C replaced by G.
Protein change: p.Leu719Val; replaces leucine 719 with valine.
Molecular consequence: missense variant. On other transcripts: non-coding transcript variant (1).
Genome position (GRCh38, 1-based): chr16:70,481,439, G>C on the plus strand (C>G on the coding strand, the complement: COG4 is on the minus strand). VCF-style: chr16-70481439-G-C. GRCh37 (hg19) VCF-style: chr16-70515342-G-C.
Other names: c.2080C>G, p.Leu694Val (NM_001195139.2); c.1729C>G, p.Leu577Val (NM_001365426.1); short protein forms L577V, L694V, L719V.
Identifiers: ClinVar variation 3373227 (VCV003373227.1).

ClinVar aggregate classification (germline): Uncertain significance (1 of 4 stars; one submission).

Submission:

GeneDx
Classification: Uncertain significance. Last evaluated: 2024-04-29. Review status: criteria provided, single submitter. Criteria: GeneDx Variant Classification Process June 2021. Collection method: clinical testing. Allele origin: germline. Affected: yes.
Comment: Not observed at significant frequency in large population cohorts (gnomAD); In silico analysis indicates that this missense variant does not alter protein structure/function; Has not been previously published as pathogenic or benign to our knowledge